The following is an entry in ClinVar:

NM_015896.4(ZMYND10):c.490C>T (p.Gln164Ter)

Gene: ZMYND10 (zinc finger MYND-type containing 10; minus strand). Cytogenetic location: 3p21.31.
Variant type: single nucleotide variant.
Coding change: c.490C>T on transcript NM_015896.4 (MANE Select); coding-DNA position 490, C replaced by T.
Protein change: p.Gln164Ter; replaces glutamine 164 with a stop codon.
Molecular consequence: nonsense.
Genome position (GRCh38, 1-based): chr3:50,343,327, G>A on the plus strand (C>T on the coding strand, the complement: ZMYND10 is on the minus strand). VCF-style: chr3-50343327-G-A. GRCh37 (hg19) VCF-style: chr3-50380758-G-A.
Other names: c.490C>T, p.Gln164Ter (NM_001308379.2); short protein forms Q164*.
Identifiers: ClinVar variation 1705506 (VCV001705506.6), dbSNP rs376314608, ClinGen allele CA2417196.

ClinVar aggregate classification (germline): Pathogenic. Review status: criteria provided, multiple submitters, no conflicts (2 of 4 stars). 2 submissions from 2 submitters: Pathogenic (2). Last evaluated 2022-09-01.

Conditions:
Primary ciliary dyskinesia 22. Also called: CILIARY DYSKINESIA, PRIMARY, 22, WITH OR WITHOUT SITUS INVERSUS. Identifiers: Orphanet 244, MedGen C3809543, MONDO:0014192, OMIM 615444.
Primary ciliary dyskinesia. Also called: Ciliary dyskinesia. Identifiers: Orphanet 244, MedGen C0008780, MONDO:0016575, HP:0012265.

Allele frequency attached by ClinVar (database versions not stated): gnomAD exomes below 0.00001; ExAC 0.00002; gnomAD 0.00003; TOPMed 0.00003; ESP Exome Variant Server 0.00008.
gnomAD v4.1: 7 of 1,612,202 alleles (0.00043%); highest among the groups gnomAD compares: African/African-American, 0.0093%; no homozygotes.

Submissions (2):

3billion
Classification: Pathogenic for Primary ciliary dyskinesia 22. Last evaluated: 2022-09-01. Review status: criteria provided, single submitter. Criteria: ACMG Guidelines, 2015. Collection method: clinical testing. Allele origin: germline. Affected: yes. Observed: 1 homozygote.
Comment: The variant is observed at an extremely low frequency in the gnomAD v2.1.1 dataset (total allele frequency: <0.001%). Stop-gained (nonsense) is predicted to result in a loss or disruption of normal protein function through nonsense-mediated decay (NMD) or protein truncation. Multiple pathogenic variants are reported downstream of the variant. The variant has been reported to be associated with ZMYND10-related disorder (PMID: 31650533). Therefore, this variant is classified as Pathogenic according to the recommendation of ACMG/AMP guideline.

Labcorp Genetics (formerly Invitae), Labcorp
Classification: Pathogenic for Primary ciliary dyskinesia. Last evaluated: 2022-08-12. Review status: criteria provided, single submitter. Criteria: Invitae Variant Classification Sherloc (09022015). Collection method: clinical testing. Allele origin: germline.
Comment: This sequence change creates a premature translational stop signal (p.Gln164*) in the ZMYND10 gene. It is expected to result in an absent or disrupted protein product. Loss-of-function variants in ZMYND10 are known to be pathogenic (PMID: 23891469, 23891471). This variant is present in population databases (rs376314608, gnomAD 0.01%). This premature translational stop signal has been observed in individual(s) with clinical features of ZMYND10-related conditions (PMID: 31650533). For these reasons, this variant has been classified as Pathogenic.

Literature cited by the submitters: PubMed 31650533 (cited by 3billion and Labcorp Genetics (formerly Invitae), Labcorp); PubMed 23891469 (cited by Labcorp Genetics (formerly Invitae), Labcorp); PubMed 23891471 (cited by Labcorp Genetics (formerly Invitae), Labcorp).